The following is an entry in ClinVar:

ClinVar aggregate classification (germline): Conflicting classifications of pathogenicity. Review status: criteria provided, conflicting classifications (1 of 4 stars). 5 submissions from 5 submitters: Uncertain significance (1); Benign (1); Likely benign (3). Last evaluated 2026-06-01.

Conditions:
DPAGT1-congenital disorder of glycosylation. Also called: DPAGT1-CDG; CDG Ij; CONGENITAL DISORDER OF GLYCOSYLATION, TYPE Ij. Identifiers: Orphanet 86309, MedGen C2931004, MONDO:0011964, OMIM 608093.
Congenital myasthenic syndrome 13 (CMS13). Also called: Myasthenic syndrome, congenital, 13, with tubular aggregates; Myasthenic syndrome, congenital, with tubular aggregates 2. Identifiers: Orphanet 353327, Orphanet 590, MedGen C3553645, MONDO:0013883, OMIM 614750.

Allele frequency attached by ClinVar (database versions not stated): gnomAD exomes 0.00014 and 0.00032; ExAC 0.00037; ESP Exome Variant Server 0.00100; gnomAD 0.00113 and 0.00117; TOPMed 0.00122; 1000 Genomes Project 0.00140; 1000 Genomes Project 30x 0.00219.
gnomAD v4.1: 386 of 1,614,206 alleles (0.024%); highest among the groups gnomAD compares: African/African-American, 0.36%; 1 homozygote.

Submissions (5):

CeGaT Center for Human Genetics Tuebingen
Classification: Likely benign. Last evaluated: 2026-06-01. Review status: criteria provided, single submitter. Criteria: CeGaT Center For Human Genetics Tuebingen Variant Classification Criteria Version 2. Collection method: clinical testing. Allele origin: germline. Affected: yes. Observed: 1 variant allele.
Comment: DPAGT1: BP4, BP7

Labcorp Genetics (formerly Invitae), Labcorp
Classification: Benign for Congenital myasthenic syndrome 13; DPAGT1-congenital disorder of glycosylation. Last evaluated: 2026-01-27. Review status: criteria provided, single submitter. Criteria: Invitae Variant Classification Sherloc (09022015). Collection method: clinical testing. Allele origin: germline.

Blueprint Genetics
Classification: Likely benign. Last evaluated: 2024-06-28. Review status: criteria provided, single submitter. Criteria: ACMG Guidelines, 2015. Collection method: clinical testing. Allele origin: germline.

GeneDx
Classification: Likely benign. Last evaluated: 2020-01-16. Review status: criteria provided, single submitter. Criteria: GeneDx Variant Classification Process June 2021. Collection method: clinical testing. Allele origin: germline. Affected: yes.

Illumina Laboratory Services, Illumina
Classification: Uncertain significance for DPAGT1-congenital disorder of glycosylation. Last evaluated: 2018-01-12. Review status: criteria provided, single submitter. Criteria: ICSL Variant Classification Criteria 13 December 2019. Collection method: clinical testing. Allele origin: germline.

NM_001382.4(DPAGT1):c.573C>T (p.Asn191=)

Gene: DPAGT1 (dolichyl-phosphate N-acetylglucosaminephosphotransferase 1; minus strand). Cytogenetic location: 11q23.3.
Variant type: single nucleotide variant.
Coding change: c.573C>T on transcript NM_001382.4 (MANE Select); coding-DNA position 573, C replaced by T.
Protein change: p.Asn191=; no amino-acid change (asparagine 191 retained).
Molecular consequence: synonymous variant.
Genome position (GRCh38, 1-based): chr11:119,100,332, G>A on the plus strand (C>T on the coding strand, the complement: DPAGT1 is on the minus strand). VCF-style: chr11-119100332-G-A. GRCh37 (hg19) VCF-style: chr11-118971042-G-A.
Identifiers: ClinVar variation 385403 (VCV000385403.57), dbSNP rs62641715, ClinGen allele CA6314600.